The following is an entry in ClinVar:

NM_000528.4(MAN2B1):c.1068C>T (p.Pro356=)

Gene: MAN2B1 (mannosidase alpha class 2B member 1; minus strand). Cytogenetic location: 19p13.13.
Variant type: single nucleotide variant.
Coding change: c.1068C>T on transcript NM_000528.4 (MANE Select); coding-DNA position 1068, C replaced by T.
Protein change: p.Pro356=; no amino-acid change (proline 356 retained).
Molecular consequence: synonymous variant.
Genome position (GRCh38, 1-based): chr19:12,658,469, G>A on the plus strand (C>T on the coding strand, the complement: MAN2B1 is on the minus strand). VCF-style: chr19-12658469-G-A. GRCh37 (hg19) VCF-style: chr19-12769283-G-A.
Other names: c.1065C>T, p.Pro355= (NM_001173498.2).
Identifiers: ClinVar variation 888992 (VCV000888992.39), dbSNP rs117880912, ClinGen allele CA9226606.
Genomic context (GRCh38, chr19:12,658,469, plus strand): 5'-CCCCAGTTTCCCCAAATACCAGGTGAGGTTGGCCTTGTTCAGCTCCCAGAGGTAACAAGC[G>A]GGGGTGGAGTAGAGAACATGGACACTGCTTCCTTTTGCCTGCTGCTGGGGGAGGCGACGG-3'
Protein context (NP_000519.2, residues 346-366): GSSVHVLYST[Pro356=]ACYLWELNKA

ClinVar aggregate classification (germline): Conflicting classifications of pathogenicity. Review status: criteria provided, conflicting classifications (1 of 4 stars). 4 submissions from 4 submitters: Uncertain significance (1); Likely benign (3). Last evaluated 2025-10-23.

Conditions:
Deficiency of alpha-mannosidase (MANSA). Also called: LYSOSOMAL ALPHA-D-MANNOSIDASE DEFICIENCY; Alpha-Mannosidosis; Mannosidosis, alpha-, types I and II. Identifiers: Orphanet 61, MedGen C0024748, MONDO:0009561, OMIM 248500.

Allele frequency attached by ClinVar (database versions not stated): TOPMed 0.00001.

Submissions (4):

Labcorp Genetics (formerly Invitae), Labcorp
Classification: Likely benign for Deficiency of alpha-mannosidase. Last evaluated: 2025-10-23. Review status: criteria provided, single submitter. Criteria: Invitae Variant Classification Sherloc (09022015). Collection method: clinical testing. Allele origin: germline.

CeGaT Center for Human Genetics Tuebingen
Classification: Likely benign. Last evaluated: 2022-05-01. Review status: criteria provided, single submitter. Criteria: CeGaT Center For Human Genetics Tuebingen Variant Classification Criteria Version 2. Collection method: clinical testing. Allele origin: germline. Affected: yes. Observed: 1 variant allele.
Comment: MAN2B1: BP4, BP7

Genome-Nilou Lab
Classification: Likely benign for Deficiency of alpha-mannosidase. Last evaluated: 2021-09-05. Review status: criteria provided, single submitter. Criteria: ACMG Guidelines, 2015. Collection method: clinical testing. Allele origin: germline. Affected: no.

Illumina Laboratory Services, Illumina
Classification: Uncertain significance for Deficiency of alpha-mannosidase. Last evaluated: 2017-04-27. Review status: criteria provided, single submitter. Criteria: ICSL Variant Classification Criteria 13 December 2019. Collection method: clinical testing. Allele origin: germline.